The following is an entry in ClinVar:

NM_001378778.1(MPDZ):c.4273G>A (p.Val1425Met)

Gene: MPDZ (multiple PDZ domain crumbs cell polarity complex component; minus strand). Cytogenetic location: 9p23.
Variant type: single nucleotide variant.
Coding change: c.4273G>A on transcript NM_001378778.1 (MANE Select); coding-DNA position 4273, G replaced by A.
Protein change: p.Val1425Met; replaces valine 1425 with methionine.
Molecular consequence: missense variant.
Genome position (GRCh38, 1-based): chr9:13,136,731, C>T on the plus strand (G>A on the coding strand, the complement: MPDZ is on the minus strand). VCF-style: chr9-13136731-C-T. GRCh37 (hg19) VCF-style: chr9-13136730-C-T.
Other names: c.4174G>A, p.Val1392Met (NM_001261406.2, NM_001261407.2, NM_001375416.1 and 3 more transcripts); c.4273G>A, p.Val1425Met (NM_001330637.2, NM_001375413.1, NM_003829.5); c.4063G>A, p.Val1355Met (NM_001375420.1, NM_001375421.1, NM_001375422.1 and 4 more transcripts); c.3865G>A, p.Val1289Met (NM_001375427.1); short protein forms V1392M, V1289M, V1355M, V1425M.
Identifiers: ClinVar variation 1041503 (VCV001041503.8), dbSNP rs1946873825, ClinGen allele CA372948859.

ClinVar aggregate classification (germline): Uncertain significance (1 of 4 stars; one submission).

Submission:

Labcorp Genetics (formerly Invitae), Labcorp
Classification: Uncertain significance. Last evaluated: 2022-03-10. Review status: criteria provided, single submitter. Criteria: Invitae Variant Classification Sherloc (09022015). Collection method: clinical testing. Allele origin: germline.
Comment: In summary, the available evidence is currently insufficient to determine the role of this variant in disease. Therefore, it has been classified as a Variant of Uncertain Significance. Algorithms developed to predict the effect of missense changes on protein structure and function are either unavailable or do not agree on the potential impact of this missense change (SIFT: "Deleterious"; PolyPhen-2: "Probably Damaging"; Align-GVGD: "Class C15"). ClinVar contains an entry for this variant (Variation ID: 1041503). This variant has not been reported in the literature in individuals affected with MPDZ-related conditions. This variant is not present in population databases (gnomAD no frequency). This sequence change replaces valine, which is neutral and non-polar, with methionine, which is neutral and non-polar, at codon 1425 of the MPDZ protein (p.Val1425Met).